The following is an entry in ClinVar:

NM_004304.5(ALK):c.2204+4C>T

Gene: ALK (ALK receptor tyrosine kinase; minus strand). Cytogenetic location: 2p23.2.
Variant type: single nucleotide variant.
Coding change: c.2204+4C>T on transcript NM_004304.5 (MANE Select); 4 bases into the intron after coding-DNA position 2204, C replaced by T.
Molecular consequence: intron variant.
Genome position (GRCh38, 1-based): chr2:29,251,101, G>A on the plus strand (C>T on the coding strand, the complement: ALK is on the minus strand). VCF-style: chr2-29251101-G-A. GRCh37 (hg19) VCF-style: chr2-29473967-G-A.
Identifiers: ClinVar variation 574693 (VCV000574693.10), dbSNP rs201806531, ClinGen allele CA1594415.

ClinVar aggregate classification (germline): Conflicting classifications of pathogenicity. Review status: criteria provided, conflicting classifications (1 of 4 stars). 2 submissions from 2 submitters: Uncertain significance (1); Likely benign (1). Last evaluated 2025-11-22.

Conditions:
Hereditary cancer-predisposing syndrome. Also called: Hereditary neoplastic syndrome; Neoplastic Syndromes, Hereditary; Hereditary Cancer Syndrome; Tumor predisposition. Identifiers: Orphanet 140162, MedGen C0027672, MeSH D009386, MONDO:0015356.
Neuroblastoma, susceptibility to, 3. Also called: ALK-Related Neuroblastic Tumor Susceptibility. Identifiers: Orphanet 635, MedGen C2751681, MONDO:0013083, OMIM 613014.

Allele frequency attached by ClinVar (database versions not stated): gnomAD 0.00005 and 0.00006; TOPMed 0.00005; ExAC 0.00008; ESP Exome Variant Server 0.00008.
gnomAD v4.1: 79 of 1,613,492 alleles (0.0049%); highest among the groups gnomAD compares: East Asian, 0.1%; no homozygotes.

Submissions (2):

Labcorp Genetics (formerly Invitae), Labcorp
Classification: Uncertain significance for Neuroblastoma, susceptibility to, 3. Last evaluated: 2025-11-22. Review status: criteria provided, single submitter. Criteria: Invitae Variant Classification Sherloc (09022015). Collection method: clinical testing. Allele origin: germline.
Comment: This sequence change falls in intron 12 of the ALK gene. It does not directly change the encoded amino acid sequence of the ALK protein. It affects a nucleotide within the consensus splice site. The frequency data for this variant in the population databases is considered unreliable, as metrics indicate poor data quality at this position in the gnomAD database. This variant has not been reported in the literature in individuals affected with ALK-related conditions. ClinVar contains an entry for this variant (Variation ID: 574693). Variants that disrupt the consensus splice site are a relatively common cause of aberrant splicing (PMID: 17576681, 9536098). Algorithms developed to predict the effect of sequence changes on RNA splicing suggest that this variant is not likely to affect RNA splicing. In summary, the available evidence is currently insufficient to determine the role of this variant in disease. Therefore, it has been classified as a Variant of Uncertain Significance.

Ambry Genetics
Classification: Likely benign for Hereditary cancer-predisposing syndrome. Last evaluated: 2024-03-20. Review status: criteria provided, single submitter. Criteria: Ambry Variant Classification Scheme 2023. Collection method: clinical testing. Allele origin: germline.

Literature cited by the submitters: PubMed 17576681 (cited by Labcorp Genetics (formerly Invitae), Labcorp); PubMed 9536098 (cited by Labcorp Genetics (formerly Invitae), Labcorp).